The following is an entry in ClinVar:

NM_001384125.1(BLTP1):c.4209del (p.Ile1404fs)

Gene: BLTP1 (bridge-like lipid transfer protein family member 1; plus strand). Cytogenetic location: 4q27.
Variant type: Deletion.
Coding change: c.4209del on transcript NM_001384125.1 (MANE Select); coding-DNA position 4209, one base deleted (C; older notation c.4209delC).
Protein change: p.Ile1404fs; shifts the reading frame from isoleucine 1404.
Molecular consequence: frameshift variant.
Genome position (GRCh38, 1-based): chr4:122,239,891, C deleted; the last of 3 consecutive C bases (chr4:122,239,889-122,239,891); deleting any one gives the same sequence. VCF-style (leftmost placement, unchanged base first): chr4-122239888-GC-G. GRCh37 (hg19) VCF-style: chr4-123161043-GC-G.
Other names: c.4209del, p.Ile1404fs (NM_015312.4); short protein forms I1404fs.
Identifiers: ClinVar variation 5006723 (VCV005006723.2).
Genomic context (GRCh38, chr4:122,239,888, plus strand): 5'-GGATTCCAGCATGTCAATGGCTGATAGTGAAGCCTACTTTTCTGCTGCTGAGGAATTTGA[GC>G]CCATTAGCAGTGATGAAGGCCCTGGAACTTATCCGGGTAGAAAAAAGAAGAAAAAGCAAA-3'

ClinVar aggregate classification (germline): Likely pathogenic (1 of 4 stars; one submission).

Conditions:
Alkuraya-Kucinskas syndrome. Identifiers: Orphanet 610569, MedGen C4693347, MONDO:0060631, OMIM 617822.

Submission:

Juno Genomics, Hangzhou Juno Genomics, Inc
Classification: Likely pathogenic for Alkuraya-Kucinskas syndrome. Review status: criteria provided, single submitter. Criteria: ACMG Guidelines, 2015. Collection method: clinical testing. Allele origin: germline.
Comment: Null variant in a gene where loss of function (LOF) is a known mechanism of disease.;Absent from controls (or at extremely low frequency if recessive) in Genome Aggregation Database.